The following is an entry in ClinVar:

ClinVar aggregate classification (germline): Likely pathogenic (1 of 4 stars; one submission).

Submission:

Labcorp Genetics (formerly Invitae), Labcorp
Classification: Likely pathogenic. Last evaluated: 2021-09-09. Review status: criteria provided, single submitter. Criteria: Invitae Variant Classification Sherloc (09022015). Collection method: clinical testing. Allele origin: germline.
Comment: This sequence change replaces arginine with proline at codon 384 of the CYP11B1 protein (p.Arg384Pro). The arginine residue is highly conserved and there is a moderate physicochemical difference between arginine and proline. This variant is not present in population databases (ExAC no frequency). This variant has not been reported in the literature in individuals affected with CYP11B1-related conditions. Advanced modeling of protein sequence and biophysical properties (such as structural, functional, and spatial information, amino acid conservation, physicochemical variation, residue mobility, and thermodynamic stability) performed at Invitae indicates that this missense variant is expected to disrupt CYP11B1 protein function. This variant disrupts the p.Arg384 amino acid residue in CYP11B1. Other variant(s) that disrupt this residue have been determined to be pathogenic (PMID: 8506298, 15751602, 20089618, 26956189). This suggests that this residue is clinically significant, and that variants that disrupt this residue are likely to be disease-causing. In summary, the currently available evidence indicates that the variant is pathogenic, but additional data are needed to prove that conclusively. Therefore, this variant has been classified as Likely Pathogenic.

Literature cited by the submitters: PubMed 8506298; PubMed 15751602; PubMed 20089618; PubMed 26956189.

NM_000497.4(CYP11B1):c.1151G>C (p.Arg384Pro)

Genes: CYP11B1 (cytochrome P450 family 11 subfamily B member 1; minus strand), LOC106799833 (CYP11B1 recombination region; plus strand). Cytogenetic location: 8q24.3.
Variant type: single nucleotide variant.
Coding change: c.1151G>C on transcript NM_000497.4 (MANE Select); coding-DNA position 1151, G replaced by C.
Protein change: p.Arg384Pro; replaces arginine 384 with proline.
Molecular consequence: missense variant.
Genome position (GRCh38, 1-based): chr8:142,875,283, C>G on the plus strand (G>C on the coding strand, the complement: CYP11B1 is on the minus strand). VCF-style: chr8-142875283-C-G. GRCh37 (hg19) VCF-style: chr8-143956699-C-G.
Other names: c.1151G>C, p.Arg384Pro (NM_001026213.1); short protein forms R384P.
Identifiers: ClinVar variation 1487557 (VCV001487557.6), dbSNP rs764598023, ClinGen allele CA372392508.